The following is an entry in ClinVar:

NM_024876.4(COQ8B):c.427G>A (p.Val143Met)

Gene: COQ8B (coenzyme Q8B; minus strand). Cytogenetic location: 19q13.2.
Variant type: single nucleotide variant.
Coding change: c.427G>A on transcript NM_024876.4 (MANE Select); coding-DNA position 427, G replaced by A.
Protein change: p.Val143Met; replaces valine 143 with methionine.
Molecular consequence: missense variant. On other transcripts: intron variant (1).
Genome position (GRCh38, 1-based): chr19:40,705,388, C>T on the plus strand (G>A on the coding strand, the complement: COQ8B is on the minus strand). VCF-style: chr19-40705388-C-T. GRCh37 (hg19) VCF-style: chr19-41211293-C-T.
Other names: c.368-207G>A (NM_001142555.3); short protein forms V143M.
Identifiers: ClinVar variation 1474083 (VCV001474083.5), dbSNP rs199641731, ClinGen allele CA9450420.

ClinVar aggregate classification (germline): Uncertain significance (1 of 4 stars; one submission).

Allele frequency attached by ClinVar (database versions not stated): ExAC 0.00003; gnomAD exomes 0.00003; ESP Exome Variant Server 0.00008; 1000 Genomes Project 0.00020; 1000 Genomes Project 30x 0.00031.
gnomAD v4.1: 54 of 1,598,282 alleles (0.0034%); highest among the groups gnomAD compares: Admixed American, 0.0034%; no homozygotes.

Submission:

Labcorp Genetics (formerly Invitae), Labcorp
Classification: Uncertain significance. Last evaluated: 2021-11-23. Review status: criteria provided, single submitter. Criteria: Invitae Variant Classification Sherloc (09022015). Collection method: clinical testing. Allele origin: germline.
Comment: This sequence change replaces valine, which is neutral and non-polar, with methionine, which is neutral and non-polar, at codon 143 of the COQ8B protein (p.Val143Met). This variant is present in population databases (rs199641731, gnomAD 0.01%). In summary, the available evidence is currently insufficient to determine the role of this variant in disease. Therefore, it has been classified as a Variant of Uncertain Significance. Advanced modeling of protein sequence and biophysical properties (such as structural, functional, and spatial information, amino acid conservation, physicochemical variation, residue mobility, and thermodynamic stability) performed at Invitae indicates that this missense variant is expected to disrupt COQ8B protein function. This variant has not been reported in the literature in individuals affected with COQ8B-related conditions.